The following is an entry in ClinVar:

ClinVar aggregate classification (germline): Pathogenic/Likely pathogenic. Review status: criteria provided, multiple submitters, no conflicts (2 of 4 stars). 3 submissions from 3 submitters: Pathogenic (2); Likely pathogenic (1). Last evaluated 2026-06-02.
ClinVar aggregate classification (oncogenicity): Oncogenic (1 of 4 stars; one submission).

Conditions:
Hereditary cancer-predisposing syndrome. Also called: Tumor predisposition; Hereditary Cancer Syndrome; Hereditary neoplastic syndrome; Neoplastic Syndromes, Hereditary. Identifiers: Orphanet 140162, MedGen C0027672, MeSH D009386, MONDO:0015356.
Familial adenomatous polyposis 1 (FAP1). Also called: FAMILIAL ADENOMATOUS POLYPOSIS 1, ATTENUATED; POLYPOSIS, ADENOMATOUS INTESTINAL. Identifiers: MedGen C2713442, MONDO:0021056, OMIM 175100. Disease mechanism: loss of function.
Neoplasm. Also called: tumor; Neoplasms; Neoplasm (disease). Identifiers: MedGen C0027651, MeSH D009369, MONDO:0005070, HP:0002664.

Submissions (4):

Ambry Genetics
Classification: Pathogenic for Hereditary cancer-predisposing syndrome. Last evaluated: 2026-06-02. Review status: criteria provided, single submitter. Criteria: Ambry Variant Classification Scheme 2023. Collection method: clinical testing. Allele origin: germline.
Comment: The c.531+1482A>G intronic pathogenic mutation results from an A to G substitution 1482 nucleotides after coding exon 4 in the APC gene. This nucleotide position is well conserved in available vertebrate species. This variant was reported in individuals with features consistent with familial adenomatous polyposis (Ambry internal data). In silico splice site analysis predicts that this alteration will result in the creation or strengthening of a novel splice donor site. RNA studies have demonstrated that this alteration results in abnormal splicing in the set of samples tested (Ambry internal data). This variant is considered to be rare based on population cohorts in the Genome Aggregation Database (gnomAD). Based on the supporting evidence, this variant is interpreted as a disease-causing mutation.

Center for Genomic Medicine, Rigshospitalet, Copenhagen University Hospital
Classification: Oncogenic for Neoplasm. Last evaluated: 2025-03-04. Review status: criteria provided, single submitter. Criteria: ClinGen/CGC/VICC Guidelines for Oncogenicity, 2022. Collection method: clinical testing. Allele origin: somatic. Affected: yes.

Institute of Human Genetics, Heidelberg University
Classification: Likely pathogenic for Familial adenomatous polyposis 1. Last evaluated: 2024-12-09. Review status: criteria provided, single submitter. Criteria: ACMG Guidelines, 2015. Collection method: clinical testing. Allele origin: paternal. Affected: yes. Observed: 2 variant alleles.

Labcorp Genetics (formerly Invitae), Labcorp
Classification: Pathogenic for Familial adenomatous polyposis 1. Last evaluated: 2024-07-22. Review status: criteria provided, single submitter. Criteria: Invitae Variant Classification Sherloc (09022015). Collection method: clinical testing. Allele origin: germline.
Comment: This sequence change falls in intron 5 of the APC gene. It does not directly change the encoded amino acid sequence of the APC protein. RNA analysis indicates that this variant induces altered splicing and may result in an absent or altered protein product. This variant is not present in population databases (gnomAD no frequency). This variant has been observed in individual(s) with familial adenomatous polyposis (FAP) (Invitae). ClinVar contains an entry for this variant (Variation ID: 2119048). Studies have shown that this variant results in activation of a cryptic splice site, and produces a non-functional protein and/or introduces a premature termination codon (Invitae). For these reasons, this variant has been classified as Pathogenic.

Literature cited by the submitters: PubMed 36828923 (cited by Center for Genomic Medicine, Rigshospitalet, Copenhagen University Hospital).

NM_000038.6(APC):c.531+1482A>G

Gene: APC (APC regulator of Wnt signaling pathway; plus strand). Cytogenetic location: 5q22.2.
Variant type: single nucleotide variant.
Coding change: c.531+1482A>G on transcript NM_000038.6 (MANE Select); 1482 bases into the intron after coding-DNA position 531, A replaced by G.
Molecular consequence: intron variant.
Genome position (GRCh38, 1-based): chr5:112,777,219, A>G. VCF-style: chr5-112777219-A-G. GRCh37 (hg19) VCF-style: chr5-112112916-A-G.
Other names: c.531+1482A>G (NM_001354895.2, NM_001127510.3, NM_001354896.2 and 3 more transcripts); c.561+1482A>G (NM_001354897.2, NM_001354902.2, NM_001127511.3); c.456+1482A>G (NM_001354898.2, NM_001354904.2); c.-505+1482A>G (NM_001354906.2); c.354+1482A>G (NM_001354900.2, NM_001354901.2, NM_001354905.2).
Identifiers: ClinVar variation 2119048 (VCV002119048.10), dbSNP rs2532437222, ClinGen allele CA2580072323.